The following is an entry in ClinVar:

NM_000016.6(ACADM):c.682dup (p.Thr228fs)

Gene: ACADM (acyl-CoA dehydrogenase medium chain; plus strand). Cytogenetic location: 1p31.1.
Variant type: Duplication.
Coding change: c.682dup on transcript NM_000016.6 (MANE Select); coding-DNA position 682, one base duplicated (A; older notation c.682dupA).
Protein change: p.Thr228fs; shifts the reading frame from threonine 228.
Molecular consequence: frameshift variant.
Genome position (GRCh38, 1-based): chr1:75,745,888, A duplicated. VCF-style (leftmost placement, unchanged base first): chr1-75745887-T-TA. GRCh37 (hg19) VCF-style: chr1-76211572-T-TA.
Other names: c.694dup, p.Thr232fs (NM_001127328.3); c.574dup, p.Thr192fs (NM_001286042.2); c.781dup, p.Thr261fs (NM_001286043.2); c.115dup, p.Thr39fs (NM_001286044.2); short protein forms T228fs, T39fs, T232fs, T192fs, T261fs.
Identifiers: ClinVar variation 5007099 (VCV005007099.2).
Genomic context (GRCh38, chr1:75,745,887, plus strand): 5'-TGATCCAGATCCTAAAGCTCCTGCTAATAAAGCCTTTACTGGATTCATTGTGGAAGCAGA[T>TA]ACCCCAGGAATTCAGATTGGGAGAAAGGTAAAGTATTTATTAATGATTAGGGCCCCAAAT-3'

ClinVar aggregate classification (germline): Likely pathogenic (1 of 4 stars; one submission).

Conditions:
Medium-chain acyl-coenzyme A dehydrogenase deficiency (ACADMD). Also called: MCADH DEFICIENCY; MCAD Deficiency; Medium chain acyl-CoA dehydrogenase deficiency; ACADM DEFICIENCY; CARNITINE DEFICIENCY SECONDARY TO MEDIUM-CHAIN ACYL-CoA DEHYDROGENASE DEFICIENCY; MCADD. Identifiers: Orphanet 42, MedGen C0220710, MONDO:0008721, OMIM 201450.

Submission:

Juno Genomics, Hangzhou Juno Genomics, Inc
Classification: Likely pathogenic for Medium-chain acyl-coenzyme A dehydrogenase deficiency. Review status: criteria provided, single submitter. Criteria: ACMG Guidelines, 2015. Collection method: clinical testing. Allele origin: germline.
Comment: Null variant in a gene where loss of function (LOF) is a known mechanism of disease.;Absent from controls (or at extremely low frequency if recessive) in Genome Aggregation Database.